The following is an entry in ClinVar:

ClinVar aggregate classification (germline): Likely benign (1 of 4 stars; one submission).

Allele frequency attached by ClinVar (database versions not stated): gnomAD exomes below 0.00001.
gnomAD v4.1: 2 of 1,614,210 alleles (0.00012%); highest among the groups gnomAD compares: Non-Finnish European, 0.000085%; no homozygotes.

Submission:

GeneDx
Classification: Likely benign. Last evaluated: 2024-02-01. Review status: criteria provided, single submitter. Criteria: GeneDx Variant Classification Process June 2021. Collection method: clinical testing. Allele origin: germline.
Comment: Not observed at significant frequency in large population cohorts (gnomAD); In silico analysis supports that this missense variant does not alter protein structure/function; Has not been previously published as pathogenic or benign to our knowledge

NM_019842.4(KCNQ5):c.1989C>A (p.Ser663Arg)

Gene: KCNQ5 (potassium voltage-gated channel subfamily Q member 5; plus strand). Cytogenetic location: 6q13.
Variant type: single nucleotide variant.
Coding change: c.1989C>A on transcript NM_019842.4 (MANE Select); coding-DNA position 1989, C replaced by A.
Protein change: p.Ser663Arg; replaces serine 663 with arginine.
Molecular consequence: missense variant.
Genome position (GRCh38, 1-based): chr6:73,194,604, C>A. VCF-style: chr6-73194604-C-A. GRCh37 (hg19) VCF-style: chr6-73904327-C-A.
Other names: c.1962C>A, p.Ser654Arg (NM_001160130.2); c.2019C>A, p.Ser673Arg (NM_001160132.2); c.2046C>A, p.Ser682Arg (NM_001160133.2); c.1659C>A, p.Ser553Arg (NM_001160134.2); short protein forms S553R, S654R, S663R, S673R, S682R.
Identifiers: ClinVar variation 2580561 (VCV002580561.2), dbSNP rs1322487368, ClinGen allele CA364694799.